The following is an entry in ClinVar:

NM_020928.2(ZSWIM6):c.832C>T (p.Leu278=)

Gene: ZSWIM6 (zinc finger SWIM-type containing 6; plus strand). Cytogenetic location: 5q12.1.
Variant type: single nucleotide variant.
Coding change: c.832C>T on transcript NM_020928.2 (MANE Select); coding-DNA position 832, C replaced by T.
Protein change: p.Leu278=; no amino-acid change (leucine 278 retained).
Molecular consequence: synonymous variant.
Genome position (GRCh38, 1-based): chr5:61,472,836, C>T. VCF-style: chr5-61472836-C-T. GRCh37 (hg19) VCF-style: chr5-60768663-C-T.
Identifiers: ClinVar variation 3905578 (VCV003905578.10).

ClinVar aggregate classification (germline): Uncertain significance (1 of 4 stars; one submission).

Submission:

CeGaT Center for Human Genetics Tuebingen
Classification: Uncertain significance. Last evaluated: 2025-05-01. Review status: criteria provided, single submitter. Criteria: CeGaT Center For Human Genetics Tuebingen Variant Classification Criteria Version 2. Collection method: clinical testing. Allele origin: germline. Affected: yes. Observed: 1 variant allele.
Comment: ZSWIM6: PM2:Supporting, BP4